The following is an entry in ClinVar:

NM_001267550.2(TTN):c.63982del (p.Thr21328fs)

Genes: TTN (titin; minus strand), TTN-AS1 (TTN antisense RNA 1; plus strand). Cytogenetic location: 2q31.2.
Variant type: Deletion.
Coding change: c.63982del on transcript NM_001267550.2 (MANE Select); coding-DNA position 63982, one base deleted (A; older notation c.63982delA).
Protein change: p.Thr21328fs; shifts the reading frame from threonine 21328.
Molecular consequence: frameshift variant.
Genome position (GRCh38, 1-based): chr2:178,587,229, T deleted on the plus strand (A on the coding strand, the reverse complement: TTN is on the minus strand); the first of 2 consecutive T bases (chr2:178,587,229-178,587,230); deleting either gives the same sequence. VCF-style (leftmost placement, unchanged base first): chr2-178587228-GT-G. GRCh37 (hg19) VCF-style: chr2-179451955-GT-G.
Other names: c.59059del, p.Thr19687fs (NM_001256850.1); c.36787del, p.Thr12263fs (NM_003319.4); c.56278del, p.Thr18760fs (NM_133378.4); c.37162del, p.Thr12388fs (NM_133432.3); c.37363del, p.Thr12455fs (NM_133437.4); short protein forms T12263fs, T21328fs, T12388fs, T18760fs, T12455fs, T19687fs.
Identifiers: ClinVar variation 2017190 (VCV002017190.4), dbSNP rs2469280096, ClinGen allele CA2580064752.

ClinVar aggregate classification (germline): Likely pathogenic (1 of 4 stars; one submission).

Conditions:
Autosomal recessive limb-girdle muscular dystrophy type 2J (LGMDR10). Also called: Limb-girdle muscular dystrophy, type 2J; MUSCULAR DYSTROPHY, LIMB-GIRDLE, AUTOSOMAL RECESSIVE 10. Identifiers: Orphanet 140922, MedGen C1837342, MONDO:0012127, OMIM 608807.
Dilated cardiomyopathy 1G (CMD1G). Identifiers: Orphanet 154, MedGen C1858763, MONDO:0011400, OMIM 604145.

Submission:

Labcorp Genetics (formerly Invitae), Labcorp
Classification: Likely pathogenic for Dilated cardiomyopathy 1G; Autosomal recessive limb-girdle muscular dystrophy type 2J. Last evaluated: 2023-06-05. Review status: criteria provided, single submitter. Criteria: Invitae Variant Classification Sherloc (09022015). Collection method: clinical testing. Allele origin: germline.
Comment: This variant is not present in population databases (gnomAD no frequency). This variant has not been reported in the literature in individuals affected with TTN-related conditions. ClinVar contains an entry for this variant (Variation ID: 2017190). This variant is located in the A band of TTN (PMID: 25589632). Truncating variants in this region are significantly overrepresented in patients affected with dilated cardiomyopathy (PMID: 25589632). Truncating variants in this region have also been reported in individuals affected with autosomal recessive centronuclear myopathy (PMID: 23975875). In summary, the currently available evidence indicates that the variant is pathogenic, but additional data are needed to prove that conclusively. Therefore, this variant has been classified as Likely Pathogenic. This sequence change creates a premature translational stop signal (p.Thr21328Profs*13) in the TTN gene. While this is not anticipated to result in nonsense mediated decay, it is expected to create a truncated TTN protein.

Literature cited by the submitters: PubMed 25589632; PubMed 23975875.